The following is an entry in ClinVar:

ClinVar aggregate classification (germline): Likely benign. Review status: criteria provided, multiple submitters, no conflicts (2 of 4 stars). 2 submissions from 2 submitters: Likely benign (2). Last evaluated 2024-12-23.

Conditions:
Autosomal dominant childhood-onset proximal spinal muscular atrophy with contractures (SMALED2A). Also called: Spinal muscular atrophy, lower extremity-predominant, 2A, autosomal dominant; SPINAL MUSCULAR ATROPHY, LOWER EXTREMITY-PREDOMINANT, 2A, CHILDHOOD ONSET, AUTOSOMAL DOMINANT. Identifiers: Orphanet 363447, Orphanet 363454, MedGen C4747715, MONDO:0014121, OMIM 615290.

Allele frequency attached by ClinVar (database versions not stated): gnomAD exomes below 0.00001; gnomAD 0.00001; 1000 Genomes Project 30x 0.00016; 1000 Genomes Project 0.00020.
gnomAD v4.1: 3 of 1,601,278 alleles (0.00019%); highest among the groups gnomAD compares: Admixed American, 0.0017%; no homozygotes.

Submissions (2):

Mayo Clinic Laboratories, Mayo Clinic
Classification: Likely benign. Last evaluated: 2024-12-23. Review status: criteria provided, single submitter. Criteria: ACMG Guidelines, 2015. Collection method: clinical testing. Allele origin: germline. Observed: 1 variant allele.
Comment: BP4, BP7

Labcorp Genetics (formerly Invitae), Labcorp
Classification: Likely benign for Autosomal dominant childhood-onset proximal spinal muscular atrophy with contractures. Last evaluated: 2024-05-20. Review status: criteria provided, single submitter. Criteria: Invitae Variant Classification Sherloc (09022015). Collection method: clinical testing. Allele origin: germline.

NM_001003800.2(BICD2):c.1758A>G (p.Leu586=)

Gene: BICD2 (BICD cargo adaptor 2; minus strand). Cytogenetic location: 9q22.31.
Variant type: single nucleotide variant.
Coding change: c.1758A>G on transcript NM_001003800.2 (MANE Select); coding-DNA position 1758, A replaced by G.
Protein change: p.Leu586=; no amino-acid change (leucine 586 retained).
Molecular consequence: synonymous variant.
Genome position (GRCh38, 1-based): chr9:92,718,887, T>C on the plus strand (A>G on the coding strand, the complement: BICD2 is on the minus strand). VCF-style: chr9-92718887-T-C. GRCh37 (hg19) VCF-style: chr9-95481169-T-C.
Other names: p.Leu586=; c.1758A>G, p.Leu586= (NM_015250.4).
Identifiers: ClinVar variation 1531918 (VCV001531918.9), dbSNP rs540475126, ClinGen allele CA5126485.